The following is an entry in ClinVar:

NM_002439.5(MSH3):c.811A>G (p.Asn271Asp)

Gene: MSH3 (mutS homolog 3; plus strand). Cytogenetic location: 5q14.1.
Variant type: single nucleotide variant.
Coding change: c.811A>G on transcript NM_002439.5 (MANE Select); coding-DNA position 811, A replaced by G.
Protein change: p.Asn271Asp; replaces asparagine 271 with aspartic acid.
Molecular consequence: missense variant.
Genome position (GRCh38, 1-based): chr5:80,672,262, A>G. VCF-style: chr5-80672262-A-G. GRCh37 (hg19) VCF-style: chr5-79968081-A-G.
Other names: short protein forms N271D.
Identifiers: ClinVar variation 2096291 (VCV002096291.4), dbSNP rs2546722365, ClinGen allele CA360267083.
Genomic context (GRCh38, chr5:80,672,262, plus strand): 5'-TAAAATATAAATTTATTGATATTTTCTTTTTTCATTTTTTAGATTGCAGCCCGAGAGCTC[A>G]ATATTTATTGCCATTTAGATCACAACTTTATGACAGCAAGTATACCTACTCACAGACTGT-3'
Protein context (NP_002430.3, residues 261-281): EDAEIAAREL[Asn271Asp]IYCHLDHNFM

ClinVar aggregate classification (germline): Uncertain significance (1 of 4 stars; one submission).

Submission:

Labcorp Genetics (formerly Invitae), Labcorp
Classification: Uncertain significance. Last evaluated: 2022-02-10. Review status: criteria provided, single submitter. Criteria: Invitae Variant Classification Sherloc (09022015). Collection method: clinical testing. Allele origin: germline.
Comment: In summary, the available evidence is currently insufficient to determine the role of this variant in disease. Therefore, it has been classified as a Variant of Uncertain Significance. Algorithms developed to predict the effect of missense changes on protein structure and function are either unavailable or do not agree on the potential impact of this missense change (SIFT: "Tolerated"; PolyPhen-2: "Probably Damaging"; Align-GVGD: "Class C0"). This variant has not been reported in the literature in individuals affected with MSH3-related conditions. This variant is not present in population databases (gnomAD no frequency). This sequence change replaces asparagine, which is neutral and polar, with aspartic acid, which is acidic and polar, at codon 271 of the MSH3 protein (p.Asn271Asp).